The following is an entry in ClinVar:

NM_003482.4(KMT2D):c.16535A>G (p.Tyr5512Cys)

Gene: KMT2D (lysine methyltransferase 2D; minus strand). Cytogenetic location: 12q13.12.
Variant type: single nucleotide variant.
Coding change: c.16535A>G on transcript NM_003482.4 (MANE Select); coding-DNA position 16535, A replaced by G.
Protein change: p.Tyr5512Cys; replaces tyrosine 5512 with cysteine.
Molecular consequence: missense variant.
Genome position (GRCh38, 1-based): chr12:49,021,859, T>C on the plus strand (A>G on the coding strand, the complement: KMT2D is on the minus strand). VCF-style: chr12-49021859-T-C. GRCh37 (hg19) VCF-style: chr12-49415642-T-C.
Other names: short protein forms Y5512C.
Identifiers: ClinVar variation 4071704 (VCV004071704.1).

ClinVar aggregate classification (germline): Uncertain significance (1 of 4 stars; one submission).

Submission:

GeneDx
Classification: Uncertain significance. Last evaluated: 2025-01-23. Review status: criteria provided, single submitter. Criteria: GeneDx Variant Classification Process June 2021. Collection method: clinical testing. Allele origin: germline. Affected: yes.
Comment: Not observed at significant frequency in large population cohorts (gnomAD); In silico analysis supports that this missense variant has a deleterious effect on protein structure/function; Has not been previously published as pathogenic or benign to our knowledge.